The following is an entry in ClinVar:

NM_024529.5(CDC73):c.69_70delinsTT (p.Glu24Ter)

Gene: CDC73 (cell division cycle 73; plus strand). Cytogenetic location: 1q31.2.
Variant type: Indel.
Coding change: c.69_70delinsTT on transcript NM_024529.5 (MANE Select); coding-DNA positions 69 to 70, CG replaced by TT.
Protein change: p.Glu24Ter; replaces glutamic acid 24 with a stop codon.
Molecular consequence: nonsense.
Genome position (GRCh38, 1-based): chr1:193,122,269-193,122,270, CG replaced by TT. VCF-style: chr1-193122269-CG-TT. GRCh37 (hg19) VCF-style: chr1-193091399-CG-TT.
Other names: short protein forms E24*.
Identifiers: ClinVar variation 2748058 (VCV002748058.3), dbSNP rs2527281261, ClinGen allele CA2697554802.

ClinVar aggregate classification (germline): Pathogenic (1 of 4 stars; one submission).

Conditions:
Parathyroid carcinoma (PRTC). Also called: Parathyroid gland carcinoma; CDC73-Related Parathyroid Carcinoma. Identifiers: Orphanet 143, MedGen C0687150, MONDO:0012004, OMIM 608266, HP:0006780.

Submission:

Labcorp Genetics (formerly Invitae), Labcorp
Classification: Pathogenic for Parathyroid carcinoma. Last evaluated: 2023-07-29. Review status: criteria provided, single submitter. Criteria: Invitae Variant Classification Sherloc (09022015). Collection method: clinical testing. Allele origin: germline.
Comment: For these reasons, this variant has been classified as Pathogenic. This premature translational stop signal has been observed in individual(s) with parathyroid carcinoma (PMID: 27544721). Information on the frequency of this variant in the gnomAD database is not available, as this variant may be reported differently in the database. This sequence change creates a premature translational stop signal (p.Glu24*) in the CDC73 gene. It is expected to result in an absent or disrupted protein product. Loss-of-function variants in CDC73 are known to be pathogenic (PMID: 12434154).

Literature cited by the submitters: PubMed 27544721; PubMed 12434154.